The following is an entry in ClinVar:

NM_144596.4(TTC8):c.1347+10C>G

Gene: TTC8 (tetratricopeptide repeat domain 8; plus strand). Cytogenetic location: 14q31.3.
Variant type: single nucleotide variant.
Coding change: c.1347+10C>G on transcript NM_144596.4 (MANE Select); 10 bases into the intron after coding-DNA position 1347, C replaced by G.
Molecular consequence: intron variant.
Genome position (GRCh38, 1-based): chr14:88,872,462, C>G. VCF-style: chr14-88872462-C-G. GRCh37 (hg19) VCF-style: chr14-89338806-C-G.
Other names: c.753+10C>G (NM_001288782.1); c.1395+10C>G (NM_001288781.1); c.1317+10C>G (NM_198309.3, NM_001366535.2); c.630+10C>G (NM_001288783.1); c.1227+10C>G (NM_198310.3, NM_001366536.2).
Identifiers: ClinVar variation 3355849 (VCV003355849.1).

ClinVar aggregate classification (germline): Likely benign (0 of 4 stars; one submission).

Conditions:
TTC8-related disorder. Also called: TTC8-related condition.

Submission:

PreventionGenetics, part of Exact Sciences
Classification: Likely benign for TTC8-related condition. Last evaluated: 2021-11-17. Review status: no assertion criteria provided. Collection method: clinical testing. Allele origin: germline.
Comment: This variant is classified as likely benign based on ACMG/AMP sequence variant interpretation guidelines (Richards et al. 2015 PMID: 25741868, with internal and published modifications).